The following is an entry in ClinVar:

NM_006662.3(SRCAP):c.7624A>G (p.Asn2542Asp)

Gene: SRCAP (Snf2 related CREBBP activator protein; plus strand). Cytogenetic location: 16p11.2.
Variant type: single nucleotide variant.
Coding change: c.7624A>G on transcript NM_006662.3 (MANE Select); coding-DNA position 7624, A replaced by G.
Protein change: p.Asn2542Asp; replaces asparagine 2542 with aspartic acid.
Molecular consequence: missense variant.
Genome position (GRCh38, 1-based): chr16:30,737,664, A>G. VCF-style: chr16-30737664-A-G. GRCh37 (hg19) VCF-style: chr16-30748985-A-G.
Other names: c.7624A>G (NM_006662.2); short protein forms N2542D.
Identifiers: ClinVar variation 2980490 (VCV002980490.5), dbSNP rs1161039272, ClinGen allele CA395633850.

ClinVar aggregate classification (germline): Uncertain significance. Review status: criteria provided, multiple submitters, no conflicts (2 of 4 stars). 3 submissions from 3 submitters: Uncertain significance (3). Last evaluated 2025-09-11.

Conditions:
Inborn genetic diseases. Identifiers: MedGen C0950123, MeSH D030342.

Allele frequency attached by ClinVar (database versions not stated): TOPMed below 0.00001.
gnomAD v4.1: 2 of 1,613,830 alleles (0.00012%); highest among the groups gnomAD compares: Non-Finnish European, 0.00017%; no homozygotes.

Submissions (3):

Women's Health and Genetics/Laboratory Corporation of America, LabCorp
Classification: Uncertain significance. Last evaluated: 2025-09-11. Review status: criteria provided, single submitter. Criteria: LabCorp Variant Classification Summary - May 2015. Collection method: clinical testing. Allele origin: germline.
Comment: Variant summary: SRCAP c.7624A>G (p.Asn2542Asp) results in a conservative amino acid change in the encoded protein sequence. Algorithms developed to predict the effect of missense changes on protein structure and function all suggest that this variant is likely to be tolerated. The variant was absent in 251456 control chromosomes. The available data on variant occurrences in the general population are insufficient to allow any conclusion about variant significance. To our knowledge, no occurrence of c.7624A>G in individuals affected with SRCAP-related conditions and no experimental evidence demonstrating its impact on protein function have been reported. ClinVar contains an entry for this variant (Variation ID: 2980490). Based on the evidence outlined above, the variant was classified as uncertain significance.

Ambry Genetics
Classification: Uncertain significance for Inborn genetic diseases. Last evaluated: 2025-08-31. Review status: criteria provided, single submitter. Criteria: Ambry Variant Classification Scheme 2023. Collection method: clinical testing. Allele origin: germline.

Labcorp Genetics (formerly Invitae), Labcorp
Classification: Uncertain significance. Last evaluated: 2023-11-27. Review status: criteria provided, single submitter. Criteria: Invitae Variant Classification Sherloc (09022015). Collection method: clinical testing. Allele origin: germline.
Comment: This sequence change replaces asparagine, which is neutral and polar, with aspartic acid, which is acidic and polar, at codon 2542 of the SRCAP protein (p.Asn2542Asp). This variant is present in population databases (no rsID available, gnomAD 0.007%). This variant has not been reported in the literature in individuals affected with SRCAP-related conditions. Advanced modeling of protein sequence and biophysical properties (such as structural, functional, and spatial information, amino acid conservation, physicochemical variation, residue mobility, and thermodynamic stability) performed at Invitae indicates that this missense variant is not expected to disrupt SRCAP protein function with a negative predictive value of 80%. In summary, the available evidence is currently insufficient to determine the role of this variant in disease. Therefore, it has been classified as a Variant of Uncertain Significance.